The following is an entry in ClinVar:

ClinVar aggregate classification (germline): Uncertain significance (1 of 4 stars; one submission).

Conditions:
Inborn genetic diseases. Identifiers: MedGen C0950123, MeSH D030342.

Submission:

Ambry Genetics
Classification: Uncertain significance for Inborn genetic diseases. Last evaluated: 2024-12-25. Review status: criteria provided, single submitter. Criteria: Ambry Variant Classification Scheme 2023. Collection method: clinical testing. Allele origin: germline.
Comment: The p.L421P variant (also known as c.1262T>C), located in coding exon 12 of the AKT1 gene, results from a T to C substitution at nucleotide position 1262. The leucine at codon 421 is replaced by proline, an amino acid with similar properties. This amino acid position is conserved. In addition, the in silico prediction for this alteration is inconclusive. Based on the available evidence, the clinical significance of this variant remains unclear.

NM_001382430.1(AKT1):c.1262T>C (p.Leu421Pro)

Gene: AKT1 (AKT serine/threonine kinase 1; minus strand). Cytogenetic location: 14q32.33.
Variant type: single nucleotide variant.
Coding change: c.1262T>C on transcript NM_001382430.1 (MANE Select); coding-DNA position 1262, T replaced by C.
Protein change: p.Leu421Pro; replaces leucine 421 with proline.
Molecular consequence: missense variant.
Genome position (GRCh38, 1-based): chr14:104,770,846, A>G on the plus strand (T>C on the coding strand, the complement: AKT1 is on the minus strand). VCF-style: chr14-104770846-A-G. GRCh37 (hg19) VCF-style: chr14-105237183-A-G.
Other names: c.1262T>C, p.Leu421Pro (NM_001014431.2, NM_001014432.2, NM_001382431.1 and 3 more transcripts); short protein forms L421P.
Identifiers: ClinVar variation 3850745 (VCV003850745.1).